The following is an entry in ClinVar:

NM_004371.4(COPA):c.3391C>T (p.Leu1131Phe)

Gene: COPA (coat protein complex I subunit alpha; minus strand). Cytogenetic location: 1q23.2.
Variant type: single nucleotide variant.
Coding change: c.3391C>T on transcript NM_004371.4 (MANE Select); coding-DNA position 3391, C replaced by T.
Protein change: p.Leu1131Phe; replaces leucine 1131 with phenylalanine.
Molecular consequence: missense variant.
Genome position (GRCh38, 1-based): chr1:160,291,364, G>A on the plus strand (C>T on the coding strand, the complement: COPA is on the minus strand). VCF-style: chr1-160291364-G-A. GRCh37 (hg19) VCF-style: chr1-160261154-G-A.
Other names: c.3418C>T, p.Leu1140Phe (NM_001098398.2); short protein forms L1131F, L1140F.
Identifiers: ClinVar variation 2876606 (VCV002876606.3), dbSNP rs1320012168, ClinGen allele CA343270729.

ClinVar aggregate classification (germline): Uncertain significance (1 of 4 stars; one submission).

Conditions:
Autoimmune interstitial lung disease-arthritis syndrome. Also called: Autoinflammation and autoimmunity, systemic, with immune dysregulation. Identifiers: Orphanet 444092, MedGen C5975714, MONDO:0014629.

Allele frequency attached by ClinVar (database versions not stated): gnomAD exomes 0.00001.
gnomAD v4.1: 9 of 1,613,936 alleles (0.00056%); highest among the groups gnomAD compares: Non-Finnish European, 0.00076%; no homozygotes.

Submission:

Labcorp Genetics (formerly Invitae), Labcorp
Classification: Uncertain significance for Autoimmune interstitial lung disease-arthritis syndrome. Last evaluated: 2022-11-16. Review status: criteria provided, single submitter. Criteria: Invitae Variant Classification Sherloc (09022015). Collection method: clinical testing. Allele origin: germline.
Comment: In summary, the available evidence is currently insufficient to determine the role of this variant in disease. Therefore, it has been classified as a Variant of Uncertain Significance. Advanced modeling of protein sequence and biophysical properties (such as structural, functional, and spatial information, amino acid conservation, physicochemical variation, residue mobility, and thermodynamic stability) performed at Invitae indicates that this missense variant is expected to disrupt COPA protein function. This variant has not been reported in the literature in individuals affected with COPA-related conditions. This variant is present in population databases (no rsID available, gnomAD 0.0009%). This sequence change replaces leucine, which is neutral and non-polar, with phenylalanine, which is neutral and non-polar, at codon 1131 of the COPA protein (p.Leu1131Phe).